The following is an entry in ClinVar:

ClinVar aggregate classification (germline): Uncertain significance (1 of 4 stars; one submission).

gnomAD v4.1: 5 of 1,613,944 alleles (0.00031%); highest among the groups gnomAD compares: Non-Finnish European, 0.00042%; no homozygotes.

Submission:

Labcorp Genetics (formerly Invitae), Labcorp
Classification: Uncertain significance. Last evaluated: 2025-06-17. Review status: criteria provided, single submitter. Criteria: Invitae Variant Classification Sherloc (09022015). Collection method: clinical testing. Allele origin: germline.
Comment: This sequence change replaces methionine, which is neutral and non-polar, with leucine, which is neutral and non-polar, at codon 430 of the CPOX protein (p.Met430Leu). This variant is present in population databases (no rsID available, gnomAD 0.0009%). This variant has not been reported in the literature in individuals affected with CPOX-related conditions. Invitae Evidence Modeling of protein sequence and biophysical properties (such as structural, functional, and spatial information, amino acid conservation, physicochemical variation, residue mobility, and thermodynamic stability) indicates that this missense variant is not expected to disrupt CPOX protein function with a negative predictive value of 80%. Algorithms developed to predict the effect of sequence changes on RNA splicing suggest that this variant may create or strengthen a splice site. In summary, the available evidence is currently insufficient to determine the role of this variant in disease. Therefore, it has been classified as a Variant of Uncertain Significance.

NM_000097.7(CPOX):c.1288A>C (p.Met430Leu)

Gene: CPOX (coproporphyrinogen oxidase; minus strand). Cytogenetic location: 3q11.2.
Variant type: single nucleotide variant.
Coding change: c.1288A>C on transcript NM_000097.7 (MANE Select); coding-DNA position 1288, A replaced by C.
Protein change: p.Met430Leu; replaces methionine 430 with leucine.
Molecular consequence: missense variant.
Genome position (GRCh38, 1-based): chr3:98,580,760, T>G on the plus strand (A>C on the coding strand, the complement: CPOX is on the minus strand). VCF-style: chr3-98580760-T-G. GRCh37 (hg19) VCF-style: chr3-98299604-T-G.
Other names: short protein forms M430L.
Identifiers: ClinVar variation 4695440 (VCV004695440.1).